The following is an entry in ClinVar:

ClinVar aggregate classification (germline): Likely benign (0 of 4 stars; one submission).

Conditions:
KIDINS220-related disorder. Also called: KIDINS220-related condition.

gnomAD v4.1: 7 of 1,610,686 alleles (0.00043%); highest among the groups gnomAD compares: Non-Finnish European, 0.00059%; no homozygotes.

Submission:

PreventionGenetics, part of Exact Sciences
Classification: Likely benign for KIDINS220-related condition. Last evaluated: 2022-04-15. Review status: no assertion criteria provided. Collection method: clinical testing. Allele origin: germline.
Comment: This variant is classified as likely benign based on ACMG/AMP sequence variant interpretation guidelines (Richards et al. 2015 PMID: 25741868, with internal and published modifications).

NM_020738.4(KIDINS220):c.3063T>C (p.Ile1021=)

Gene: KIDINS220 (kinase D interacting substrate 220; minus strand). Cytogenetic location: 2p25.1.
Variant type: single nucleotide variant.
Coding change: c.3063T>C on transcript NM_020738.4 (MANE Select); coding-DNA position 3063, T replaced by C.
Protein change: p.Ile1021=; no amino-acid change (isoleucine 1021 retained).
Molecular consequence: synonymous variant. On other transcripts: non-coding transcript variant (2).
Genome position (GRCh38, 1-based): chr2:8,751,593, A>G on the plus strand (T>C on the coding strand, the complement: KIDINS220 is on the minus strand). VCF-style: chr2-8751593-A-G. GRCh37 (hg19) VCF-style: chr2-8891723-A-G.
Other names: c.3066T>C, p.Ile1022= (NM_001348729.2, NM_001348731.2, NM_001348734.2 and 2 more transcripts); c.3063T>C, p.Ile1021= (NM_001348732.2, NM_001348735.2, NM_001348738.2 and 3 more transcripts); c.2937T>C, p.Ile979= (NM_001348736.2).
Identifiers: ClinVar variation 3351469 (VCV003351469.1).
Genomic context (GRCh38, chr2:8,751,593, plus strand): 5'-AGCCACAAGAACTGGGGTCCTTGAAGACAAAAACACTTCAAAATTTCTTATATCTCCATC[A>G]ATTTCAAGAAGTGGCTCAACATCCTTAGTTGTTGGAATATTCTTTGATATTCTTCAAATA-3'
Protein context (NP_065789.1, residues 1011-1031): TTKDVEPLLE[Ile1021=]DGDIRNFEVF